The following is an entry in ClinVar:

NM_198252.3(GSN):c.335C>A (p.Ser112Tyr)

Gene: GSN (gelsolin; plus strand). Cytogenetic location: 9q33.2.
Variant type: single nucleotide variant.
Coding change: c.335C>A on transcript NM_198252.3 (MANE Select); coding-DNA position 335, C replaced by A.
Protein change: p.Ser112Tyr; replaces serine 112 with tyrosine.
Molecular consequence: missense variant. On other transcripts: 5 prime UTR variant (1).
Genome position (GRCh38, 1-based): chr9:121,303,049, C>A. VCF-style: chr9-121303049-C-A. GRCh37 (hg19) VCF-style: chr9-124065327-C-A.
Other names: c.335C>A, p.Ser112Tyr (NM_001353062.1, NM_001127662.2, NM_001127664.2 and 10 more transcripts); c.368C>A, p.Ser123Tyr (NM_001353063.2, NM_001353064.2, NM_001353065.2 and 13 more transcripts); c.488C>A, p.Ser163Tyr (NM_000177.5); c.443C>A, p.Ser148Tyr (NM_001127663.2); c.386C>A, p.Ser129Tyr (NM_001258029.2); c.359C>A, p.Ser120Tyr (NM_001258030.2); c.407C>A, p.Ser136Tyr (NM_001353076.2); c.-320C>A (NM_001353078.2); short protein forms S163Y, S123Y, S120Y, S129Y, S148Y, S112Y, S136Y.
Identifiers: ClinVar variation 2725496 (VCV002725496.3), dbSNP rs1254094633, ClinGen allele CA374734748.

ClinVar aggregate classification (germline): Uncertain significance (1 of 4 stars; one submission).

Submission:

Labcorp Genetics (formerly Invitae), Labcorp
Classification: Uncertain significance. Last evaluated: 2023-06-23. Review status: criteria provided, single submitter. Criteria: Invitae Variant Classification Sherloc (09022015). Collection method: clinical testing. Allele origin: germline.
Comment: In summary, the available evidence is currently insufficient to determine the role of this variant in disease. Therefore, it has been classified as a Variant of Uncertain Significance. This sequence change replaces serine, which is neutral and polar, with tyrosine, which is neutral and polar, at codon 163 of the GSN protein (p.Ser163Tyr). This variant is not present in population databases (gnomAD no frequency). This variant has not been reported in the literature in individuals affected with GSN-related conditions. Advanced modeling of protein sequence and biophysical properties (such as structural, functional, and spatial information, amino acid conservation, physicochemical variation, residue mobility, and thermodynamic stability) performed at Invitae indicates that this missense variant is expected to disrupt GSN protein function.